The following is an entry in ClinVar:

ClinVar aggregate classification (germline): Uncertain significance. Review status: criteria provided, multiple submitters, no conflicts (2 of 4 stars). 2 submissions from 2 submitters: Uncertain significance (2). Last evaluated 2025-04-14.

Conditions:
Tuberous sclerosis 2 (TSC2). Identifiers: Orphanet 805, MedGen C1860707, MONDO:0013199, OMIM 613254.
Hereditary cancer-predisposing syndrome. Also called: Hereditary neoplastic syndrome; Neoplastic Syndromes, Hereditary; Tumor predisposition; Hereditary Cancer Syndrome. Identifiers: Orphanet 140162, MedGen C0027672, MeSH D009386, MONDO:0015356.

Allele frequency attached by ClinVar (database versions not stated): TOPMed 0.00001.

Submissions (2):

Labcorp Genetics (formerly Invitae), Labcorp
Classification: Uncertain significance for Tuberous sclerosis 2. Last evaluated: 2025-04-14. Review status: criteria provided, single submitter. Criteria: Invitae Variant Classification Sherloc (09022015). Collection method: clinical testing. Allele origin: germline.
Comment: This sequence change replaces glutamine, which is neutral and polar, with histidine, which is basic and polar, at codon 1119 of the TSC2 protein (p.Gln1119His). This variant is not present in population databases (gnomAD no frequency). This variant has not been reported in the literature in individuals affected with TSC2-related conditions. ClinVar contains an entry for this variant (Variation ID: 1040813). Invitae Evidence Modeling of protein sequence and biophysical properties (such as structural, functional, and spatial information, amino acid conservation, physicochemical variation, residue mobility, and thermodynamic stability) indicates that this missense variant is not expected to disrupt TSC2 protein function with a negative predictive value of 95%. In summary, the available evidence is currently insufficient to determine the role of this variant in disease. Therefore, it has been classified as a Variant of Uncertain Significance.

Ambry Genetics
Classification: Uncertain significance for Hereditary cancer-predisposing syndrome. Last evaluated: 2024-10-29. Review status: criteria provided, single submitter. Criteria: Ambry Variant Classification Scheme 2023. Collection method: clinical testing. Allele origin: germline.
Comment: The p.Q1119H variant (also known as c.3357G>T), located in coding exon 28 of the TSC2 gene, results from a G to T substitution at nucleotide position 3357. The glutamine at codon 1119 is replaced by histidine, an amino acid with highly similar properties. This amino acid position is conserved. In addition, the in silico prediction for this alteration is inconclusive. Based on the available evidence, the clinical significance of this variant remains unclear.

NM_000548.5(TSC2):c.3357G>T (p.Gln1119His)

Gene: TSC2 (TSC complex subunit 2; plus strand). Cytogenetic location: 16p13.3.
Variant type: single nucleotide variant.
Coding change: c.3357G>T on transcript NM_000548.5 (MANE Select); coding-DNA position 3357, G replaced by T.
Protein change: p.Gln1119His; replaces glutamine 1119 with histidine.
Molecular consequence: missense variant.
Genome position (GRCh38, 1-based): chr16:2,079,629, G>T. VCF-style: chr16-2079629-G-T. GRCh37 (hg19) VCF-style: chr16-2129630-G-T.
Other names: c.3357G>T (NM_000548.3); c.3225G>T, p.Gln1075His (NM_001077183.3, NM_001370404.1); c.3357G>T, p.Gln1119His (NM_001114382.3); c.3117G>T, p.Gln1039His (NM_001318827.2); c.3081G>T, p.Gln1027His (NM_001318829.2); c.2625G>T, p.Gln875His (NM_001318831.2); c.3258G>T, p.Gln1086His (NM_001318832.2); c.3228G>T, p.Gln1076His (NM_001363528.2, NM_001370405.1, NM_021055.3); short protein forms Q1075H, Q1039H, Q1076H, Q1119H, Q875H, Q1027H, Q1086H.
Identifiers: ClinVar variation 1040813 (VCV001040813.9), dbSNP rs1309073649, ClinGen allele CA394286662.